The following is an entry in ClinVar:

NM_001170535.3(ATAD3A):c.342G>C (p.Glu114Asp)

Gene: ATAD3A (ATPase family AAA domain containing 3A; plus strand). Cytogenetic location: 1p36.33.
Variant type: single nucleotide variant.
Coding change: c.342G>C on transcript NM_001170535.3 (MANE Select); coding-DNA position 342, G replaced by C.
Protein change: p.Glu114Asp; replaces glutamic acid 114 with aspartic acid.
Molecular consequence: missense variant.
Genome position (GRCh38, 1-based): chr1:1,517,370, G>C. VCF-style: chr1-1517370-G-C. GRCh37 (hg19) VCF-style: chr1-1452750-G-C.
Other names: c.105G>C, p.Glu35Asp (NM_001170536.3); c.486G>C, p.Glu162Asp (NM_018188.5); short protein forms E114D, E162D, E35D.
Identifiers: ClinVar variation 1804254 (VCV001804254.2), dbSNP rs1355653789, ClinGen allele CA337850290.

ClinVar aggregate classification (germline): Uncertain significance (1 of 4 stars; one submission).

Allele frequency attached by ClinVar (database versions not stated): gnomAD exomes below 0.00001.

Submission:

GeneDx
Classification: Uncertain significance. Last evaluated: 2026-01-06. Review status: criteria provided, single submitter. Criteria: GeneDx Variant Classification Process June 2021. Collection method: clinical testing. Allele origin: germline.
Comment: Not observed at significant frequency in large population cohorts (gnomAD); In silico analysis supports that this missense variant has a deleterious effect on protein structure/function; Has not been previously published as pathogenic or benign to our knowledge